The following is an entry in ClinVar:

ClinVar aggregate classification (germline): Pathogenic/Likely pathogenic. Review status: criteria provided, multiple submitters, no conflicts (2 of 4 stars). 4 submissions from 4 submitters: Pathogenic (2); Likely pathogenic (1). 1 of the submissions does not count toward it. Last evaluated 2026-01-28.

Conditions:
Dyskeratosis congenita, autosomal recessive 5 (DKCB5). Identifiers: MedGen C3554656, MONDO:0014076, OMIM 615190.
Pulmonary fibrosis and/or bone marrow failure, Telomere-related, 3. Also called: PULMONARY FIBROSIS AND/OR BONE MARROW FAILURE SYNDROME, TELOMERE-RELATED, 3. Identifiers: Orphanet 2032, MedGen C4225346, MONDO:0014613, OMIM 616373.

Allele frequency attached by ClinVar (database versions not stated): TOPMed below 0.00001; gnomAD 0.00001.

Submissions (4):

Labcorp Genetics (formerly Invitae), Labcorp
Classification: Pathogenic for Dyskeratosis congenita, autosomal recessive 5; Pulmonary fibrosis and/or bone marrow failure, Telomere-related, 3. Last evaluated: 2026-01-28. Review status: criteria provided, single submitter. Criteria: Invitae Variant Classification Sherloc (09022015). Collection method: clinical testing. Allele origin: germline.
Comment: This sequence change creates a premature translational stop signal (p.Arg754*) in the RTEL1 gene. It is expected to result in an absent or disrupted protein product. Loss-of-function variants in RTEL1 are known to be pathogenic (PMID: 23453664, 23959892, 25607374). This variant is not present in population databases (gnomAD no frequency). This variant has not been reported in the literature in individuals affected with RTEL1-related conditions. ClinVar contains an entry for this variant (Variation ID: 552546). For these reasons, this variant has been classified as Pathogenic.

Myriad Genetics, Inc.
Classification: Pathogenic for Dyskeratosis congenita, autosomal recessive 5. Last evaluated: 2025-07-21. Review status: criteria provided, single submitter. Criteria: Myriad Autosomal Dominant, Autosomal Recessive and X-Linked Classification Criteria (2023). Collection method: clinical testing. Allele origin: unknown.
Comment: NM_001283009.1(RTEL1):c.2260C>T(R754*) is a nonsense variant classified as pathogenic in the context of RTEL1-related disorders. R754* has not been observed in cases with relevant disease. Relevant functional assessments of this variant are not available in the literature. R754* has not been observed in referenced population frequency databases. In summary, NM_001283009.1(RTEL1):c.2260C>T(R754*) is a nonsense variant in a gene where loss of function is a known mechanism of disease and is predicted to disrupt protein function. Please note: this variant was assessed in the context of healthy population screening.

Baylor Genetics
Classification: Likely pathogenic for Dyskeratosis congenita, autosomal recessive 5. Last evaluated: 2024-01-30. Review status: criteria provided, single submitter. Criteria: ACMG Guidelines, 2015. Collection method: clinical testing. Allele origin: unknown.

Counsyl
Classification: Likely pathogenic for Dyskeratosis congenita, autosomal recessive 5. Last evaluated: 2017-06-14. Review status: no assertion criteria provided. Collection method: clinical testing. Allele origin: unknown. Not counted in ClinVar's aggregate classification.

Literature cited by the submitters: PubMed 23453664 (cited by Labcorp Genetics (formerly Invitae), Labcorp); PubMed 23959892 (cited by Labcorp Genetics (formerly Invitae), Labcorp); PubMed 25607374 (cited by Labcorp Genetics (formerly Invitae), Labcorp).

NM_001283009.2(RTEL1):c.2260C>T (p.Arg754Ter)

Genes: RTEL1 (regulator of telomere elongation helicase 1; plus strand), RTEL1-TNFRSF6B (RTEL1-TNFRSF6B readthrough (NMD candidate); plus strand). Cytogenetic location: 20q13.33.
Variant type: single nucleotide variant.
Coding change: c.2260C>T on transcript NM_001283009.2 (MANE Select); coding-DNA position 2260, C replaced by T.
Protein change: p.Arg754Ter; replaces arginine 754 with a stop codon.
Molecular consequence: nonsense. On other transcripts: non-coding transcript variant (1).
Genome position (GRCh38, 1-based): chr20:63,690,205, C>T. VCF-style: chr20-63690205-C-T. GRCh37 (hg19) VCF-style: chr20-62321558-C-T.
Other names: c.1591C>T, p.Arg531Ter (NM_001283010.1); c.2260C>T, p.Arg754Ter (NM_016434.4); c.2332C>T, p.Arg778Ter (NM_032957.5); short protein forms R778*, R754*, R531*.
Identifiers: ClinVar variation 552546 (VCV000552546.15), dbSNP rs377024903, ClinGen allele CA409680018.